The following is an entry in ClinVar:

NM_000540.3(RYR1):c.10234C>T (p.Leu3412Phe)

Gene: RYR1 (ryanodine receptor 1; plus strand). Cytogenetic location: 19q13.2.
Variant type: single nucleotide variant.
Coding change: c.10234C>T on transcript NM_000540.3 (MANE Select); coding-DNA position 10234, C replaced by T.
Protein change: p.Leu3412Phe; replaces leucine 3412 with phenylalanine.
Molecular consequence: missense variant.
Genome position (GRCh38, 1-based): chr19:38,519,429, C>T. VCF-style: chr19-38519429-C-T. GRCh37 (hg19) VCF-style: chr19-39010069-C-T.
Other names: c.10234C>T, p.Leu3412Phe (NM_001042723.2); short protein forms L3412F.
Identifiers: ClinVar variation 644996 (VCV000644996.8), dbSNP rs146754065, ClinGen allele CA308131345.

ClinVar aggregate classification (germline): Uncertain significance. Review status: criteria provided, multiple submitters, no conflicts (2 of 4 stars). 3 submissions from 3 submitters: Uncertain significance (3). Last evaluated 2024-10-03.

Conditions:
RYR1-related disorder. Also called: RYR1-related disorders; RYR1-related condition. Identifiers: MedGen CN239331.
Inborn genetic diseases. Identifiers: MedGen C0950123, MeSH D030342.

Allele frequency attached by ClinVar (database versions not stated): gnomAD exomes below 0.00001; gnomAD 0.00001; TOPMed 0.00001; ESP Exome Variant Server 0.00008.
gnomAD v4.1: 3 of 1,600,398 alleles (0.00019%); highest among the groups gnomAD compares: African/African-American, 0.004%; no homozygotes.

Submissions (3):

Ambry Genetics
Classification: Uncertain significance for Inborn genetic diseases. Last evaluated: 2024-10-03. Review status: criteria provided, single submitter. Criteria: Ambry Variant Classification Scheme 2023. Collection method: clinical testing. Allele origin: germline.

GeneDx
Classification: Uncertain significance. Last evaluated: 2024-08-16. Review status: criteria provided, single submitter. Criteria: GeneDx Variant Classification Process June 2021. Collection method: clinical testing. Allele origin: germline. Affected: yes.
Comment: Not observed at significant frequency in large population cohorts (gnomAD); In silico analysis supports that this missense variant has a deleterious effect on protein structure/function; Has not been previously published as pathogenic or benign to our knowledge

Labcorp Genetics (formerly Invitae), Labcorp
Classification: Uncertain significance for RYR1-related disorder. Last evaluated: 2021-08-27. Review status: criteria provided, single submitter. Criteria: Invitae Variant Classification Sherloc (09022015). Collection method: clinical testing. Allele origin: germline.
Comment: This sequence change replaces leucine with phenylalanine at codon 3412 of the RYR1 protein (p.Leu3412Phe). The leucine residue is highly conserved and there is a small physicochemical difference between leucine and phenylalanine. This variant is not present in population databases (ExAC no frequency). This variant has not been reported in the literature in individuals affected with RYR1-related conditions. Algorithms developed to predict the effect of missense changes on protein structure and function are either unavailable or do not agree on the potential impact of this missense change (SIFT: "Deleterious"; PolyPhen-2: "Benign"; Align-GVGD: "Class C0"). In summary, the available evidence is currently insufficient to determine the role of this variant in disease. Therefore, it has been classified as a Variant of Uncertain Significance.